The following is an entry in ClinVar:

NM_005060.4(RORC):c.245G>A (p.Arg82Gln)

Gene: RORC (RAR related orphan receptor C; minus strand). Cytogenetic location: 1q21.3.
Variant type: single nucleotide variant.
Coding change: c.245G>A on transcript NM_005060.4 (MANE Select); coding-DNA position 245, G replaced by A.
Protein change: p.Arg82Gln; replaces arginine 82 with glutamine.
Molecular consequence: missense variant.
Genome position (GRCh38, 1-based): chr1:151,816,717, C>T on the plus strand (G>A on the coding strand, the complement: RORC is on the minus strand). VCF-style: chr1-151816717-C-T. GRCh37 (hg19) VCF-style: chr1-151789193-C-T.
Other names: c.182G>A, p.Arg61Gln (LRG_1322t2, NM_001001523.2); c.245G>A, p.Arg82Gln (LRG_1322t1); short protein forms R82Q, R61Q.
Identifiers: ClinVar variation 639355 (VCV000639355.9), dbSNP rs200944681, ClinGen allele CA30499857.

ClinVar aggregate classification (germline): Uncertain significance. Review status: criteria provided, multiple submitters, no conflicts (2 of 4 stars). 2 submissions from 2 submitters: Uncertain significance (2). Last evaluated 2025-08-28.

Conditions:
Inborn genetic diseases. Identifiers: MedGen C0950123, MeSH D030342.
Autosomal recessive mendelian susceptibility to mycobacterial diseases due to complete RORgamma receptor deficiency. Also called: Immunodeficiency 42. Identifiers: Orphanet 477857, MedGen C5567647, MONDO:0014710, OMIM 616622.

Allele frequency attached by ClinVar (database versions not stated): gnomAD 0.00001 and 0.00002; TOPMed 0.00001; gnomAD exomes 0.00002.

Submissions (2):

Ambry Genetics
Classification: Uncertain significance for Inborn genetic diseases. Last evaluated: 2025-08-28. Review status: criteria provided, single submitter. Criteria: Ambry Variant Classification Scheme 2023. Collection method: clinical testing. Allele origin: germline.

Labcorp Genetics (formerly Invitae), Labcorp
Classification: Uncertain significance for Autosomal recessive mendelian susceptibility to mycobacterial diseases due to complete RORgamma receptor deficiency. Last evaluated: 2025-03-28. Review status: criteria provided, single submitter. Criteria: Invitae Variant Classification Sherloc (09022015). Collection method: clinical testing. Allele origin: germline.
Comment: This sequence change replaces arginine, which is basic and polar, with glutamine, which is neutral and polar, at codon 82 of the RORC protein (p.Arg82Gln). The frequency data for this variant in the population databases is considered unreliable, as metrics indicate poor data quality at this position in the gnomAD database. This variant has not been reported in the literature in individuals affected with RORC-related conditions. ClinVar contains an entry for this variant (Variation ID: 639355). An algorithm developed to predict the effect of missense changes on protein structure and function (PolyPhen-2) suggests that this variant is likely to be disruptive. In summary, the available evidence is currently insufficient to determine the role of this variant in disease. Therefore, it has been classified as a Variant of Uncertain Significance.